The following is an entry in ClinVar:

NM_015450.3(POT1):c.352A>G (p.Thr118Ala)

Gene: POT1 (protection of telomeres 1; minus strand). Cytogenetic location: 7q31.33.
Variant type: single nucleotide variant.
Coding change: c.352A>G on transcript NM_015450.3 (MANE Select); coding-DNA position 352, A replaced by G.
Protein change: p.Thr118Ala; replaces threonine 118 with alanine.
Molecular consequence: missense variant. On other transcripts: 5 prime UTR variant (1), non-coding transcript variant (3).
Genome position (GRCh38, 1-based): chr7:124,863,544, T>C on the plus strand (A>G on the coding strand, the complement: POT1 is on the minus strand). VCF-style: chr7-124863544-T-C. GRCh37 (hg19) VCF-style: chr7-124503598-T-C.
Other names: c.-42A>G (NM_001042594.2); short protein forms T118A.
Identifiers: ClinVar variation 2585755 (VCV002585755.7), dbSNP rs1307186321, ClinGen allele CA369059957.

ClinVar aggregate classification (germline): Uncertain significance. Review status: criteria provided, multiple submitters, no conflicts (2 of 4 stars). 3 submissions from 3 submitters: Uncertain significance (3). Last evaluated 2026-08-26.

Conditions:
Tumor predisposition syndrome 3 (TPDS3). Also called: Melanoma, cutaneous malignant, susceptibility to, 10; Glioma susceptibility 9; LONG TELOMERE SYNDROME, POT1-RELATED; POT1 Tumor Predisposition. Identifiers: Orphanet 618, MedGen C4014476, MONDO:0014368, OMIM 615848.
Hereditary cancer-predisposing syndrome. Also called: Hereditary neoplastic syndrome; Neoplastic Syndromes, Hereditary; Tumor predisposition; Hereditary Cancer Syndrome. Identifiers: Orphanet 140162, MedGen C0027672, MeSH D009386, MONDO:0015356.

Allele frequency attached by ClinVar (database versions not stated): gnomAD exomes below 0.00001; gnomAD 0.00001.
gnomAD v4.1: 3 of 1,613,742 alleles (0.00019%); highest among the groups gnomAD compares: African/African-American, 0.0013%; no homozygotes.

Submissions (3):

GeneDx
Classification: Uncertain significance. Last evaluated: 2026-08-26. Review status: criteria provided, single submitter. Criteria: GeneDx Variant Classification Process June 2021. Collection method: clinical testing. Allele origin: germline.
Comment: Not observed at significant frequency in large population cohorts (gnomAD); In silico analysis suggests that this missense variant does not alter protein structure/function; Has not been previously published as pathogenic or benign to our knowledge; This variant is associated with the following publications: (PMID: 28393830)

Ambry Genetics
Classification: Uncertain significance for Hereditary cancer-predisposing syndrome. Last evaluated: 2023-06-17. Review status: criteria provided, single submitter. Criteria: Ambry Variant Classification Scheme 2023. Collection method: clinical testing. Allele origin: germline.
Comment: The p.T118A variant (also known as c.352A>G), located in coding exon 4 of the POT1 gene, results from an A to G substitution at nucleotide position 352. The threonine at codon 118 is replaced by alanine, an amino acid with similar properties. This amino acid position is conserved. In addition, this alteration is predicted to be tolerated by in silico analysis. Since supporting evidence is limited at this time, the clinical significance of this alteration remains unclear.

Labcorp Genetics (formerly Invitae), Labcorp
Classification: Uncertain significance for Tumor predisposition syndrome 3. Last evaluated: 2023-06-05. Review status: criteria provided, single submitter. Criteria: Invitae Variant Classification Sherloc (09022015). Collection method: clinical testing. Allele origin: germline.
Comment: This variant has not been reported in the literature in individuals affected with POT1-related conditions. This variant is present in population databases (no rsID available, gnomAD 0.004%). This sequence change replaces threonine, which is neutral and polar, with alanine, which is neutral and non-polar, at codon 118 of the POT1 protein (p.Thr118Ala). Advanced modeling of protein sequence and biophysical properties (such as structural, functional, and spatial information, amino acid conservation, physicochemical variation, residue mobility, and thermodynamic stability) performed at Invitae indicates that this missense variant is not expected to disrupt POT1 protein function. In summary, the available evidence is currently insufficient to determine the role of this variant in disease. Therefore, it has been classified as a Variant of Uncertain Significance.